The following is an entry in ClinVar:

NM_024656.4(COLGALT1):c.1134-17CTC[3]

Gene: COLGALT1 (collagen beta(1-O)galactosyltransferase 1; plus strand). Cytogenetic location: 19p13.11.
Variant type: Microsatellite.
Coding change: c.1134-17CTC[3] on transcript NM_024656.4 (MANE Select); three copies in a row of the 3-base unit CTC starting at c.1134-17; the reference has four copies in a row; one copy, 3 bases deleted.
Molecular consequence: intron variant.
Genome position (GRCh38, 1-based): chr19:17,577,949-17,577,951, CTC deleted; deleting any 3 consecutive bases within chr19:17,577,940-17,577,951 gives the same sequence; the position shown is the placement nearest the transcript's 3' end. VCF-style (leftmost placement, unchanged base first): chr19-17577939-TCTC-T. GRCh37 (hg19) VCF-style: chr19-17688748-TCTC-T.
Other names: c.1134-8_1134-6delCTC (NM_024656.3).
Identifiers: ClinVar variation 2871610 (VCV002871610.6), dbSNP rs770024603, ClinGen allele CA9297187.
Genomic context (GRCh38, chr19:17,577,939, plus strand): 5'-GGGTGGTGGAATGGCCGGGGATGGCAGAATGGCAGGCAGGGTGAACCTTCTTCGTGACCC[TCTC>T]CTCCTCCTCTCCAGAGCCATGAACACCAGCCAGGTGGAGGCGCTGGGGATCCAGATGCTG-3'

ClinVar aggregate classification (germline): Likely benign. Review status: criteria provided, multiple submitters, no conflicts (2 of 4 stars). 3 submissions from 3 submitters: Likely benign (2). 1 of the submissions does not count toward it. Last evaluated 2025-07-20.

Conditions:
COLGALT1-related disorder. Also called: COLGALT1-related condition.

Submissions (3):

Labcorp Genetics (formerly Invitae), Labcorp
Classification: Likely benign. Last evaluated: 2025-07-20. Review status: criteria provided, single submitter. Criteria: Invitae Variant Classification Sherloc (09022015). Collection method: clinical testing. Allele origin: germline.

Blueprint Genetics
Classification: Likely benign. Last evaluated: 2024-10-28. Review status: criteria provided, single submitter. Criteria: ACMG Guidelines, 2015. Collection method: clinical testing. Allele origin: germline.

PreventionGenetics, part of Exact Sciences
Classification: Likely benign for COLGALT1-related condition. Last evaluated: 2022-04-21. Review status: no assertion criteria provided. Collection method: clinical testing. Allele origin: germline. Not counted in ClinVar's aggregate classification.
Comment: This variant is classified as likely benign based on ACMG/AMP sequence variant interpretation guidelines (Richards et al. 2015 PMID: 25741868, with internal and published modifications).